The following is an entry in ClinVar:

NM_080632.3(UPF3B):c.1303-85T>G

Gene: UPF3B (UPF3B regulator of nonsense mediated mRNA decay; minus strand). Cytogenetic location: Xq24.
Variant type: single nucleotide variant.
Coding change: c.1303-85T>G on transcript NM_080632.3 (MANE Select); 85 bases into the intron before coding-DNA position 1303, T replaced by G.
Molecular consequence: intron variant.
Genome position (GRCh38, 1-based): chrX:119,835,112, A>C on the plus strand (T>G on the coding strand, the complement: UPF3B is on the minus strand). VCF-style: chrX-119835112-A-C. GRCh37 (hg19) VCF-style: chrX-118969075-A-C.
Other names: c.1264-85T>G (NM_023010.4).
Identifiers: ClinVar variation 670829 (VCV000670829.2), dbSNP rs2239963, ClinGen allele CA334121757.
Genomic context (GRCh38, chrX:119,835,112, plus strand): 5'-CATTACAACAATGCTACTAAGCTTTTATATGGGATTTTTAAGAGTCATAGTTATGTATGA[A>C]TATATGCTCAAGTGAAGTCATTTAAGACCAAAAATGTGAGGGCACGGTAAATGACAACTT-3'

ClinVar aggregate classification (germline): Benign. Review status: criteria provided, multiple submitters, no conflicts (2 of 4 stars). 2 submissions from 2 submitters: Benign (2). Last evaluated 2018-06-14.

Allele frequency attached by ClinVar (database versions not stated): gnomAD 0.27852 and 0.28397; 1000 Genomes Project 30x 0.28678; TOPMed 0.28994; 1000 Genomes Project 0.29086; gnomAD exomes 0.36096.
gnomAD v4.1: 389,685 of 1,103,928 alleles (35%); highest among the groups gnomAD compares: Admixed American, 52%; 49,668 homozygotes.

Submissions (2):

GeneDx
Classification: Benign. Last evaluated: 2018-06-14. Review status: criteria provided, single submitter. Criteria: GeneDx Variant Classification (06012015). Collection method: clinical testing. Allele origin: germline. Affected: yes.
Comment: This variant is considered likely benign or benign based on one or more of the following criteria: it is a conservative change, it occurs at a poorly conserved position in the protein, it is predicted to be benign by multiple in silico algorithms, and/or has population frequency not consistent with disease.

Breakthrough Genomics
Classification: Benign. Review status: criteria provided, single submitter. Criteria: ACMG Guidelines, 2015. Collection method: not provided. Allele origin: germline. Inheritance: X-linked inheritance. Affected: yes.